The following is an entry in ClinVar:

NM_002878.4(RAD51D):c.616G>C (p.Asp206His)

Genes: RAD51D (RAD51 paralog D; minus strand), RAD51L3-RFFL (RAD51L3-RFFL readthrough; minus strand). Cytogenetic location: 17q12.
Variant type: single nucleotide variant.
Coding change: c.616G>C on transcript NM_002878.4 (MANE Select); coding-DNA position 616, G replaced by C.
Protein change: p.Asp206His; replaces aspartic acid 206 with histidine.
Molecular consequence: missense variant. On other transcripts: non-coding transcript variant (3).
Genome position (GRCh38, 1-based): chr17:35,103,505, C>G on the plus strand (G>C on the coding strand, the complement: RAD51D is on the minus strand). VCF-style: chr17-35103505-C-G. GRCh37 (hg19) VCF-style: chr17-33430524-C-G.
Other names: c.676G>C, p.Asp226His (NM_001142571.2); c.280G>C, p.Asp94His (NM_133629.3); short protein forms D206H, D226H, D94H.
Identifiers: ClinVar variation 1006029 (VCV001006029.5), dbSNP rs2091564754, ClinGen allele CA399087924.

ClinVar aggregate classification (germline): Uncertain significance (1 of 4 stars; one submission).

Conditions:
Breast-ovarian cancer, familial, susceptibility to, 4. Identifiers: Orphanet 145, MedGen C3280345, MONDO:0013669, OMIM 614291.

Submission:

Labcorp Genetics (formerly Invitae), Labcorp
Classification: Uncertain significance for Breast-ovarian cancer, familial, susceptibility to, 4. Last evaluated: 2025-12-13. Review status: criteria provided, single submitter. Criteria: Invitae Variant Classification Sherloc (09022015). Collection method: clinical testing. Allele origin: germline.
Comment: This sequence change replaces aspartic acid, which is acidic and polar, with histidine, which is basic and polar, at codon 206 of the RAD51D protein (p.Asp206His). This variant is not present in population databases (gnomAD no frequency). This variant has not been reported in the literature in individuals affected with RAD51D-related conditions. ClinVar contains an entry for this variant (Variation ID: 1006029). Invitae Evidence Modeling of protein sequence and biophysical properties (such as structural, functional, and spatial information, amino acid conservation, physicochemical variation, residue mobility, and thermodynamic stability) indicates that this missense variant is expected to disrupt RAD51D protein function with a positive predictive value of 80%. In summary, the available evidence is currently insufficient to determine the role of this variant in disease. Therefore, it has been classified as a Variant of Uncertain Significance.